The following is an entry in ClinVar:

ClinVar aggregate classification (germline): Pathogenic (1 of 4 stars; one submission).

Conditions:
Hereditary breast ovarian cancer syndrome. Also called: Hereditary breast and ovarian cancer syndrome; Hereditary breast and/or ovarian cancer syndrome; Hereditary breast and ovarian cancer; Breast and ovarian cancer; Hereditary breast and ovarian cancer syndrome (HBOC); BRCA1- and BRCA2-Associated Hereditary Breast and Ovarian Cancer. Identifiers: Orphanet 145, MedGen C0677776, MeSH D061325, MONDO:0003582. Disease mechanism: loss of function.

Submission:

Labcorp Genetics (formerly Invitae), Labcorp
Classification: Pathogenic for Hereditary breast ovarian cancer syndrome. Last evaluated: 2024-10-11. Review status: criteria provided, single submitter. Criteria: Invitae Variant Classification Sherloc (09022015). Collection method: clinical testing. Allele origin: germline.
Comment: This sequence change creates a premature translational stop signal (p.Thr900Leufs*100) in the BRCA1 gene. It is expected to result in an absent or disrupted protein product. Loss-of-function variants in BRCA1 are known to be pathogenic (PMID: 20104584). This variant is not present in population databases (gnomAD no frequency). This variant has not been reported in the literature in individuals affected with BRCA1-related conditions. For these reasons, this variant has been classified as Pathogenic.

Literature cited by the submitters: PubMed 20104584.

NM_007294.4(BRCA1):c.2697del (p.Thr900fs)

Gene: BRCA1 (BRCA1 DNA repair associated; minus strand). Cytogenetic location: 17q21.31.
Variant type: Deletion.
Coding change: c.2697del on transcript NM_007294.4 (MANE Select); coding-DNA position 2697, one base deleted (C; older notation c.2697delC).
Protein change: p.Thr900fs; shifts the reading frame from threonine 900.
Molecular consequence: frameshift variant. On other transcripts: intron variant (137).
Genome position (GRCh38, 1-based): chr17:43,092,834, G deleted on the plus strand (C on the coding strand, the reverse complement: BRCA1 is on the minus strand). VCF-style (leftmost placement, unchanged base first): chr17-43092833-TG-T. GRCh37 (hg19) VCF-style: chr17-41244850-TG-T.
Other names: c.788-695del (NM_001407969.1, NM_001407968.1); c.2484del, p.Thr829fs (NM_001407853.1, NM_001407894.1, NM_001407896.1 and 9 more transcripts); c.2694del, p.Thr899fs (NM_001407861.1, NM_001407860.1, NM_001407587.1 and 22 more transcripts); c.2697del, p.Thr900fs (NM_001407854.1, NM_001407859.1, NM_001407858.1 and 30 more transcripts); c.578-1802del (NM_001408492.1, NM_001408513.1, NM_001408481.1 and 9 more transcripts); c.644-1802del (NM_001408468.1, NM_001408470.1, NM_001408464.1 and 3 more transcripts); c.647-1802del (NM_001408455.1, NM_001408466.1, NM_001408452.1 and 11 more transcripts); c.521-1802del (NM_001408503.1, NM_001408505.1, NM_001408504.1); and 41 more; short protein forms T812fs, T853fs, T897fs, T899fs, T732fs, T773fs, T788fs, T811fs.
Identifiers: ClinVar variation 3659872 (VCV003659872.2).